The following is an entry in ClinVar:

NM_175940.3(DUOX1):c.173G>A (p.Ser58Asn)

Gene: DUOX1 (dual oxidase 1; plus strand). Cytogenetic location: 15q21.1.
Variant type: single nucleotide variant.
Coding change: c.173G>A on transcript NM_175940.3 (MANE Select); coding-DNA position 173, G replaced by A.
Protein change: p.Ser58Asn; replaces serine 58 with asparagine.
Molecular consequence: missense variant.
Genome position (GRCh38, 1-based): chr15:45,134,175, G>A. VCF-style: chr15-45134175-G-A. GRCh37 (hg19) VCF-style: chr15-45426373-G-A.
Other names: c.173G>A, p.Ser58Asn (NM_017434.5); short protein forms S58N.
Identifiers: ClinVar variation 3024775 (VCV003024775.22), dbSNP rs145196561, ClinGen allele CA7540060.

ClinVar aggregate classification (germline): Likely benign (1 of 4 stars; one submission).

Allele frequency attached by ClinVar (database versions not stated): 1000 Genomes Project 30x 0.00390; ESP Exome Variant Server 0.00416; gnomAD 0.00454; 1000 Genomes Project 0.00459.

Submission:

CeGaT Center for Human Genetics Tuebingen
Classification: Likely benign. Last evaluated: 2022-11-01. Review status: criteria provided, single submitter. Criteria: CeGaT Center For Human Genetics Tuebingen Variant Classification Criteria Version 2. Collection method: clinical testing. Allele origin: germline. Affected: yes. Observed: 1 variant allele.
Comment: DUOX1: BP4, BS2